The following is an entry in ClinVar:

ClinVar aggregate classification (germline): Uncertain significance. Review status: criteria provided, multiple submitters, no conflicts (2 of 4 stars). 2 submissions from 2 submitters: Uncertain significance (2). Last evaluated 2023-12-08.

Conditions:
Inborn genetic diseases. Identifiers: MedGen C0950123, MeSH D030342.
Holoprosencephaly 11 (HPE11). Identifiers: Orphanet 2162, MedGen C3280215, MONDO:0013642, OMIM 614226.

Allele frequency attached by ClinVar (database versions not stated): gnomAD exomes 0.00001 and 0.00002; ExAC 0.00002; gnomAD 0.00002; TOPMed 0.00002.
gnomAD v4.1: 21 of 1,613,318 alleles (0.0013%); highest among the groups gnomAD compares: Admixed American, 0.0033%; no homozygotes.

Submissions (2):

Ambry Genetics
Classification: Uncertain significance for Inborn genetic diseases. Last evaluated: 2023-12-08. Review status: criteria provided, single submitter. Criteria: Ambry Variant Classification Scheme 2023. Collection method: clinical testing. Allele origin: germline.

Labcorp Genetics (formerly Invitae), Labcorp
Classification: Uncertain significance for Holoprosencephaly 11. Last evaluated: 2021-06-24. Review status: criteria provided, single submitter. Criteria: Invitae Variant Classification Sherloc (09022015). Collection method: clinical testing. Allele origin: germline.
Comment: This sequence change replaces serine with phenylalanine at codon 124 of the CDON protein (p.Ser124Phe). The serine residue is highly conserved and there is a large physicochemical difference between serine and phenylalanine. This variant is present in population databases (rs572238103, ExAC 0.003%). This variant has not been reported in the literature in individuals with CDON-related conditions. Algorithms developed to predict the effect of missense changes on protein structure and function are either unavailable or do not agree on the potential impact of this missense change (SIFT: "Deleterious"; PolyPhen-2: "Possibly Damaging"; Align-GVGD: "Class C15"). In summary, the available evidence is currently insufficient to determine the role of this variant in disease. Therefore, it has been classified as a Variant of Uncertain Significance.

NM_001378964.1(CDON):c.371C>T (p.Ser124Phe)

Gene: CDON (cell adhesion associated, oncogene regulated; minus strand). Cytogenetic location: 11q24.2.
Variant type: single nucleotide variant.
Coding change: c.371C>T on transcript NM_001378964.1 (MANE Select); coding-DNA position 371, C replaced by T.
Protein change: p.Ser124Phe; replaces serine 124 with phenylalanine.
Molecular consequence: missense variant.
Genome position (GRCh38, 1-based): chr11:126,019,744, G>A on the plus strand (C>T on the coding strand, the complement: CDON is on the minus strand). VCF-style: chr11-126019744-G-A. GRCh37 (hg19) VCF-style: chr11-125889639-G-A.
Other names: c.371C>T, p.Ser124Phe (NM_001243597.3, NM_016952.6); short protein forms S124F.
Identifiers: ClinVar variation 1419701 (VCV001419701.9), dbSNP rs572238103, ClinGen allele CA6352345.
Genomic context (GRCh38, chr11:126,019,744, plus strand): 5'-GGTACCCTGCAGCCAATGAAACCAGCACTTTTTTCTTCTGCTGTAATAACATGCTTTGTG[G>A]ATGAACCAAAATCACCAAGAACTGAAATATATAAGGAAACAGATAAATAAATACATGCAA-3'
Protein context (NP_001365893.1, residues 114-134): SVAVLGDFGS[Ser124Phe]TKHVITAEEK